The following is an entry in ClinVar:

NM_170606.3(KMT2C):c.10157A>T (p.Asp3386Val)

Gene: KMT2C (lysine methyltransferase 2C; minus strand). Cytogenetic location: 7q36.1.
Variant type: single nucleotide variant.
Coding change: c.10157A>T on transcript NM_170606.3 (MANE Select); coding-DNA position 10157, A replaced by T.
Protein change: p.Asp3386Val; replaces aspartic acid 3386 with valine.
Molecular consequence: missense variant.
Genome position (GRCh38, 1-based): chr7:152,163,420, T>A on the plus strand (A>T on the coding strand, the complement: KMT2C is on the minus strand). VCF-style: chr7-152163420-T-A. GRCh37 (hg19) VCF-style: chr7-151860505-T-A.
Other names: short protein forms D3386V.
Identifiers: ClinVar variation 3116008 (VCV003116008.1), dbSNP rs2487691779, ClinGen allele CA370104605.

ClinVar aggregate classification (germline): Uncertain significance (1 of 4 stars; one submission).

Conditions:
Inborn genetic diseases. Identifiers: MedGen C0950123, MeSH D030342.

Submission:

Ambry Genetics
Classification: Uncertain significance for Inborn genetic diseases. Last evaluated: 2023-09-25. Review status: criteria provided, single submitter. Criteria: Ambry Variant Classification Scheme 2023. Collection method: clinical testing. Allele origin: germline.
Comment: The c.10157A>T (p.D3386V) alteration is located in exon 43 (coding exon 43) of the KMT2C gene. This alteration results from an A to T substitution at nucleotide position 10157, causing the aspartic acid (D) at amino acid position 3386 to be replaced by a valine (V). This variant was not reported in population-based cohorts in the Genome Aggregation Database (gnomAD). This amino acid position is well conserved in available vertebrate species. The in silico prediction for this alteration is inconclusive. Based on insufficient or conflicting evidence, the clinical significance of this alteration remains unclear.